The following is an entry in ClinVar:

NM_003246.4(THBS1):c.3024C>T (p.Phe1008=)

Genes: THBS1 (thrombospondin 1; plus strand), LOC126862110 (MED14-independent group 3 enhancer GRCh37_chr15:39885600-39886799; plus strand). Cytogenetic location: 15q14.
Variant type: single nucleotide variant.
Coding change: c.3024C>T on transcript NM_003246.4 (MANE Select); coding-DNA position 3024, C replaced by T.
Protein change: p.Phe1008=; no amino-acid change (phenylalanine 1008 retained).
Molecular consequence: synonymous variant.
Genome position (GRCh38, 1-based): chr15:39,593,425, C>T. VCF-style: chr15-39593425-C-T. GRCh37 (hg19) VCF-style: chr15-39885626-C-T.
Identifiers: ClinVar variation 712840 (VCV000712840.5), dbSNP rs142668892, ClinGen allele CA7472377.

ClinVar aggregate classification (germline): Benign. Review status: criteria provided, single submitter (1 of 4 stars). 2 submissions from 2 submitters: Benign (1). 1 of the submissions does not count toward it. Last evaluated 2018-08-16.

Conditions:
THBS1-related disorder. Also called: THBS1-related condition.

Allele frequency attached by ClinVar (database versions not stated): ESP Exome Variant Server 0.00115; gnomAD 0.00115 and 0.00121; 1000 Genomes Project 30x 0.00125; TOPMed 0.00125; 1000 Genomes Project 0.00140.
gnomAD v4.1: 298 of 1,614,176 alleles (0.018%); highest among the groups gnomAD compares: African/African-American, 0.38%; 2 homozygotes.

Submissions (2):

Labcorp Genetics (formerly Invitae), Labcorp
Classification: Benign. Last evaluated: 2018-08-16. Review status: criteria provided, single submitter. Criteria: Invitae Variant Classification Sherloc (09022015). Collection method: clinical testing. Allele origin: germline.

PreventionGenetics, part of Exact Sciences
Classification: Likely benign for THBS1-related condition. Last evaluated: 2019-05-20. Review status: no assertion criteria provided. Collection method: clinical testing. Allele origin: germline. Not counted in ClinVar's aggregate classification.
Comment: This variant is classified as likely benign based on ACMG/AMP sequence variant interpretation guidelines (Richards et al. 2015 PMID: 25741868, with internal and published modifications).